The following is an entry in ClinVar:

ClinVar aggregate classification (germline): Likely benign. Review status: criteria provided, multiple submitters, no conflicts (2 of 4 stars). 3 submissions from 3 submitters: Likely benign (3). Last evaluated 2024-12-12.

Conditions:
KIF11-related disorder. Also called: KIF11-related condition.

Allele frequency attached by ClinVar (database versions not stated): ExAC 0.00001; gnomAD exomes 0.00001; TOPMed 0.00001; gnomAD 0.00002; ESP Exome Variant Server 0.00008.
gnomAD v4.1: 15 of 1,595,868 alleles (0.00094%); highest among the groups gnomAD compares: Middle Eastern, 0.017%; no homozygotes.

Submissions (3):

PreventionGenetics, part of Exact Sciences
Classification: Likely benign for KIF11-related condition. Last evaluated: 2024-12-12. Review status: criteria provided, single submitter. Criteria: ACMG Guidelines, 2015. Collection method: clinical testing. Allele origin: germline.
Comment: This variant is classified as likely benign based on ACMG/AMP sequence variant interpretation guidelines (Richards et al. 2015 PMID: 25741868, with internal and published modifications).

Labcorp Genetics (formerly Invitae), Labcorp
Classification: Likely benign. Last evaluated: 2024-02-24. Review status: criteria provided, single submitter. Criteria: Invitae Variant Classification Sherloc (09022015). Collection method: clinical testing. Allele origin: germline.

Blueprint Genetics
Classification: Likely benign. Last evaluated: 2023-03-31. Review status: criteria provided, single submitter. Criteria: ACMG Guidelines, 2015. Collection method: clinical testing. Allele origin: germline.

NM_004523.4(KIF11):c.1797T>C (p.His599=)

Gene: KIF11 (kinesin family member 11; plus strand). Cytogenetic location: 10q23.33.
Variant type: single nucleotide variant.
Coding change: c.1797T>C on transcript NM_004523.4 (MANE Select); coding-DNA position 1797, T replaced by C.
Protein change: p.His599=; no amino-acid change (histidine 599 retained).
Molecular consequence: synonymous variant.
Genome position (GRCh38, 1-based): chr10:92,633,717, T>C. VCF-style: chr10-92633717-T-C. GRCh37 (hg19) VCF-style: chr10-94393474-T-C.
Identifiers: ClinVar variation 796942 (VCV000796942.10), dbSNP rs145596665, ClinGen allele CA5604266.
Genomic context (GRCh38, chr10:92,633,717, plus strand): 5'-TACCATTACTACAGTAGCACTTGGATCTCTCACATCTATTCCAGAAAATGTGTCTACTCA[T>C]GTTTCTCAGATTTTTAATATGATACTAAAAGAACAATCATTAGCAGCAGAAAGTAAAACT-3'
Protein context (NP_004514.2, residues 589-609): LTSIPENVST[His599=]VSQIFNMILK